The following is an entry in ClinVar:

NM_206933.4(USH2A):c.6969A>C (p.Arg2323=)

Gene: USH2A (usherin; minus strand). Cytogenetic location: 1q41.
Variant type: single nucleotide variant.
Coding change: c.6969A>C on transcript NM_206933.4 (MANE Select); coding-DNA position 6969, A replaced by C.
Protein change: p.Arg2323=; no amino-acid change (arginine 2323 retained).
Molecular consequence: synonymous variant.
Genome position (GRCh38, 1-based): chr1:215,965,468, T>G on the plus strand (A>C on the coding strand, the complement: USH2A is on the minus strand). VCF-style: chr1-215965468-T-G. GRCh37 (hg19) VCF-style: chr1-216138810-T-G.
Identifiers: ClinVar variation 48574 (VCV000048574.16), dbSNP rs397518028, ClinGen allele CA143581.

ClinVar aggregate classification (germline): Likely benign. Review status: criteria provided, multiple submitters, no conflicts (2 of 4 stars). 6 submissions from 5 submitters: Likely benign (5). 1 of the submissions does not count toward it. Last evaluated 2025-04-02.

Conditions:
Usher syndrome type 2A. Also called: USHER SYNDROME, TYPE IIA; RETINAL DISEASE IN USHER SYNDROME TYPE IIA, MODIFIER OF. Identifiers: Orphanet 231178, Orphanet 886, MedGen C1848634, MONDO:0010169, OMIM 276901.
Retinitis pigmentosa 39 (RP39). Identifiers: Orphanet 791, MedGen C3151138, MONDO:0013436, OMIM 613809.

Allele frequency attached by ClinVar (database versions not stated): gnomAD exomes 0.00001; TOPMed 0.00002.
gnomAD v4.1: 4 of 1,613,642 alleles (0.00025%); no homozygotes.

Submissions (6):

Labcorp Genetics (formerly Invitae), Labcorp
Classification: Likely benign. Last evaluated: 2025-04-02. Review status: criteria provided, single submitter. Criteria: Invitae Variant Classification Sherloc (09022015). Collection method: clinical testing. Allele origin: germline.

Blueprint Genetics
Classification: Likely benign. Last evaluated: 2024-11-14. Review status: criteria provided, single submitter. Criteria: ACMG Guidelines, 2015. Collection method: clinical testing. Allele origin: germline.

Genome-Nilou Lab
Classification: Likely benign for Retinitis pigmentosa 39. Last evaluated: 2023-11-04. Review status: criteria provided, single submitter. Criteria: ACMG Guidelines, 2015. Collection method: clinical testing. Allele origin: germline. Affected: no.

Genome-Nilou Lab
Classification: Likely benign for Usher syndrome type 2A. Last evaluated: 2023-11-04. Review status: criteria provided, single submitter. Criteria: ACMG Guidelines, 2015. Collection method: clinical testing. Allele origin: germline. Affected: no.

Laboratory for Molecular Medicine, Mass General Brigham Personalized Medicine
Classification: Likely benign. Last evaluated: 2011-11-07. Review status: criteria provided, single submitter. Criteria: LMM Criteria. Collection method: clinical testing. Allele origin: germline. Observed: 1 variant allele.
Comment: The Arg2323Arg variant in USH2A is not expected to have clinical significance be cause it does not alter an amino acid residue and is not located near a splice j unction.

Counsyl
Classification: Likely benign for Usher syndrome type 2A; Retinitis pigmentosa 39. Last evaluated: 2017-11-16. Review status: no assertion criteria provided. Collection method: clinical testing. Allele origin: unknown. Not counted in ClinVar's aggregate classification.